The following is an entry in ClinVar:

ClinVar aggregate classification (germline): Uncertain significance. Review status: criteria provided, multiple submitters, no conflicts (2 of 4 stars). 2 submissions from 2 submitters: Uncertain significance (2). Last evaluated 2024-05-01.

Conditions:
Dyskeratosis congenita, autosomal dominant 6 (DKCA6). Identifiers: Orphanet 3322, MedGen C4225284, MONDO:0014690, OMIM 616553.
Inborn genetic diseases. Identifiers: MedGen C0950123, MeSH D030342.

Allele frequency attached by ClinVar (database versions not stated): gnomAD exomes 0.00003; 1000 Genomes Project 30x 0.00031; ExAC 0.00001; gnomAD 0.00001; 1000 Genomes Project 0.00020.

Submissions (2):

Labcorp Genetics (formerly Invitae), Labcorp
Classification: Uncertain significance for Dyskeratosis congenita, autosomal dominant 6. Last evaluated: 2024-05-01. Review status: criteria provided, single submitter. Criteria: Invitae Variant Classification Sherloc (09022015). Collection method: clinical testing. Allele origin: germline.
Comment: This sequence change replaces glycine, which is neutral and non-polar, with arginine, which is basic and polar, at codon 73 of the ACD protein (p.Gly73Arg). This variant is present in population databases (rs558547634, gnomAD 0.007%). This variant has not been reported in the literature in individuals affected with ACD-related conditions. ClinVar contains an entry for this variant (Variation ID: 1787247). An algorithm developed to predict the effect of missense changes on protein structure and function (PolyPhen-2) suggests that this variant is likely to be tolerated. In summary, the available evidence is currently insufficient to determine the role of this variant in disease. Therefore, it has been classified as a Variant of Uncertain Significance.

Ambry Genetics
Classification: Uncertain significance for Inborn genetic diseases. Last evaluated: 2024-04-23. Review status: criteria provided, single submitter. Criteria: Ambry Variant Classification Scheme 2023. Collection method: clinical testing. Allele origin: germline.

NC_000016.10:g.67660262C>T

Gene: ACD (ACD shelterin complex subunit and telomerase recruitment factor; minus strand). Cytogenetic location: 16q22.1.
Variant type: single nucleotide variant.
Genome position: GRCh38 VCF-style: chr16-67660262-C-T. GRCh37 (hg19) VCF-style: chr16-67694165-C-T.
Other names: short protein forms G73R.
Identifiers: ClinVar variation 1787247 (VCV001787247.6), dbSNP rs558547634, ClinGen allele CA8114872.